The following is an entry in ClinVar:

ClinVar aggregate classification (germline): Benign. Review status: criteria provided, multiple submitters, no conflicts (2 of 4 stars). 2 submissions from 2 submitters: Benign (2). Last evaluated 2018-06-19.

Allele frequency attached by ClinVar (database versions not stated): gnomAD exomes 0.03830; gnomAD 0.04142 and 0.04205; TOPMed 0.04210; 1000 Genomes Project 0.04493; 1000 Genomes Project 30x 0.04575.
gnomAD v4.1: 45,826 of 1,186,520 alleles (3.9%); highest among the groups gnomAD compares: South Asian, 7.5%; 1,102 homozygotes.

Submissions (2):

GeneDx
Classification: Benign. Last evaluated: 2018-06-19. Review status: criteria provided, single submitter. Criteria: GeneDx Variant Classification (06012015). Collection method: clinical testing. Allele origin: germline. Affected: yes.
Comment: This variant is considered likely benign or benign based on one or more of the following criteria: it is a conservative change, it occurs at a poorly conserved position in the protein, it is predicted to be benign by multiple in silico algorithms, and/or has population frequency not consistent with disease.

Breakthrough Genomics
Classification: Benign. Review status: criteria provided, single submitter. Criteria: ACMG Guidelines, 2015. Collection method: not provided. Allele origin: germline. Inheritance: Autosomal recessive inheritance. Affected: yes.

NM_133642.5(LARGE1):c.892+79T>G

Gene: LARGE1 (LARGE xylosyl- and glucuronyltransferase 1; minus strand). Cytogenetic location: 22q12.3.
Variant type: single nucleotide variant.
Coding change: c.892+79T>G on transcript NM_133642.5 (MANE Select); 79 bases into the intron after coding-DNA position 892, T replaced by G.
Molecular consequence: intron variant.
Genome position (GRCh38, 1-based): chr22:33,432,082, A>C on the plus strand (T>G on the coding strand, the complement: LARGE1 is on the minus strand). VCF-style: chr22-33432082-A-C. GRCh37 (hg19) VCF-style: chr22-33828068-A-C.
Other names: c.892+79T>G (NM_001362953.2, NM_001362949.2, NM_001378627.1 and 7 more transcripts); c.289+79T>G (NM_001378631.1, NM_001378630.1).
Identifiers: ClinVar variation 672933 (VCV000672933.2), dbSNP rs16992336, ClinGen allele CA14975259.